The following is an entry in ClinVar:

ClinVar aggregate classification (germline): Pathogenic. Review status: criteria provided, multiple submitters, no conflicts (2 of 4 stars). 5 submissions from 5 submitters: Pathogenic (3). 2 of the submissions do not count toward it. Last evaluated 2025-05-18.

Conditions:
Tuberous sclerosis syndrome (TSC). Also called: Tuberous Sclerosis Complex; Tuberous sclerosis. Identifiers: Orphanet 805, MedGen C0041341, MONDO:0001734.
Hereditary cancer-predisposing syndrome. Also called: Neoplastic Syndromes, Hereditary; Tumor predisposition; Hereditary Cancer Syndrome; Hereditary neoplastic syndrome. Identifiers: Orphanet 140162, MedGen C0027672, MeSH D009386, MONDO:0015356.
Tuberous sclerosis 1 (TSC1). Identifiers: Orphanet 805, MedGen C1854465, MONDO:0008612, OMIM 191100.

Submissions (5):

Ambry Genetics
Classification: Pathogenic for Hereditary cancer-predisposing syndrome. Last evaluated: 2025-05-18. Review status: criteria provided, single submitter. Criteria: Ambry Variant Classification Scheme 2023. Collection method: clinical testing. Allele origin: germline.
Comment: The p.Y761* pathogenic mutation (also known as c.2283C>A), located in coding exon 16 of the TSC1 gene, results from a C to A substitution at nucleotide position 2283. This changes the amino acid from a tyrosine to a stop codon within coding exon 16. This variant was reported in individual(s) with features consistent with tuberous sclerosis complex (TSC) (Dabora SL et al. Ann Hum Genet, 1998 Nov;62:491-504; Tsai TS et al. Genet Test Mol Biomarkers, 2011 Jun;15:415-21; Meng Y et al. J Hum Genet, 2021 Mar;66:227-236; Eriksson MH et al. Epilepsia, 2023 Sep;64:2260-2273). This variant is considered to be rare based on population cohorts in the Genome Aggregation Database (gnomAD). In addition to the clinical data presented in the literature, this alteration is expected to result in loss of function by premature protein truncation or nonsense-mediated mRNA decay. As such, this alteration is interpreted as a disease-causing mutation.

Labcorp Genetics (formerly Invitae), Labcorp
Classification: Pathogenic for Tuberous sclerosis 1. Last evaluated: 2023-10-14. Review status: criteria provided, single submitter. Criteria: Invitae Variant Classification Sherloc (09022015). Collection method: clinical testing. Allele origin: germline.
Comment: This sequence change creates a premature translational stop signal (p.Tyr761*) in the TSC1 gene. It is expected to result in an absent or disrupted protein product. Loss-of-function variants in TSC1 are known to be pathogenic (PMID: 10227394, 17304050). This variant is not present in population databases (gnomAD no frequency). This premature translational stop signal has been observed in individual(s) with tuberous sclerosis complex (PMID: 16981987). ClinVar contains an entry for this variant (Variation ID: 48929). For these reasons, this variant has been classified as Pathogenic.

GeneDx
Classification: Pathogenic. Last evaluated: 2022-05-17. Review status: criteria provided, single submitter. Criteria: GeneDx Variant Classification Process June 2021. Collection method: clinical testing. Allele origin: germline. Affected: yes.
Comment: Reported in a patient with TSC (PMID: 16981987); Nonsense variant predicted to result in protein truncation or nonsense mediated decay in a gene for which loss-of-function is a known mechanism of disease; Not observed in large population cohorts (gnomAD); A different nucleotide change (c.2283 C>G) resulting in the same nonsense variant has been reported as pathogenic (PMID:9803264); This variant is associated with the following publications: (PMID: 21510812, 25525159, 15798777, 32917966, 16981987)

Division of Genomic Medicine, Department of Advanced Medicine, Medical Research Institute, Kanazawa Medical University
Classification: Pathogenic for Tuberous sclerosis 1. Last evaluated: 2020-06-09. Review status: no assertion criteria provided. Collection method: clinical testing. Allele origin: germline. Affected: yes. Observed: 1 variant allele. Not counted in ClinVar's aggregate classification.

Tuberous sclerosis database (TSC1)
No classification provided. Condition: TSC. Review status: no classification provided. Criteria: Tuberous Sclerosis Database Assertion Criteria 2015. Collection method: curation. Allele origin: germline. Affected: yes. Not counted in ClinVar's aggregate classification.

Literature cited by the submitters: PubMed 10363127 (cited by Ambry Genetics); PubMed 21510812 (cited by Ambry Genetics); PubMed 32917966 (cited by Ambry Genetics); PubMed 37264783 (cited by Ambry Genetics); PubMed 10227394 (cited by Labcorp Genetics (formerly Invitae), Labcorp); PubMed 17304050 (cited by Labcorp Genetics (formerly Invitae), Labcorp); PubMed 16981987 (cited by Labcorp Genetics (formerly Invitae), Labcorp).

NM_000368.5(TSC1):c.2283C>A (p.Tyr761Ter)

Gene: TSC1 (TSC complex subunit 1; minus strand). Cytogenetic location: 9q34.13.
Variant type: single nucleotide variant.
Coding change: c.2283C>A on transcript NM_000368.5 (MANE Select); coding-DNA position 2283, C replaced by A.
Protein change: p.Tyr761Ter; replaces tyrosine 761 with a stop codon.
Molecular consequence: nonsense.
Genome position (GRCh38, 1-based): chr9:132,902,713, G>T on the plus strand (C>A on the coding strand, the complement: TSC1 is on the minus strand). VCF-style: chr9-132902713-G-T. GRCh37 (hg19) VCF-style: chr9-135778100-G-T.
Other names: c.2280C>A, p.Tyr760Ter (NM_001162426.2); c.2130C>A, p.Tyr710Ter (NM_001162427.2); c.1920C>A, p.Tyr640Ter (NM_001362177.2); short protein forms Y761*, Y640*, Y710*, Y760*.
Identifiers: ClinVar variation 48929 (VCV000048929.9), dbSNP rs118203668, ClinGen allele CA006227.